The following is an entry in ClinVar:

NM_001018005.2(TPM1):c.241-6A>G

Gene: TPM1 (tropomyosin 1; plus strand). Cytogenetic location: 15q22.2.
Variant type: single nucleotide variant.
Coding change: c.241-6A>G on transcript NM_001018005.2 (MANE Select); 6 bases into the intron before coding-DNA position 241, A replaced by G.
Molecular consequence: intron variant.
Genome position (GRCh38, 1-based): chr15:63,056,979, A>G. VCF-style: chr15-63056979-A-G. GRCh37 (hg19) VCF-style: chr15-63349178-A-G.
Other names: c.367-6A>G (NM_001365778.1); c.241-6A>G (NM_001018020.2, NM_001018007.2, NM_001018006.2 and 7 more transcripts); c.133-6A>G (NM_001330351.2, NM_001330344.2, NM_001018008.2 and 5 more transcripts).
Identifiers: ClinVar variation 1968761 (VCV001968761.7), dbSNP rs1281731313, ClinGen allele CA618530733.

ClinVar aggregate classification (germline): Likely benign. Review status: criteria provided, multiple submitters, no conflicts (2 of 4 stars). 3 submissions from 3 submitters: Likely benign (3). Last evaluated 2025-08-29.

Conditions:
Hypertrophic cardiomyopathy. Also called: HYPERTROPHIC MYOCARDIOPATHY. Identifiers: Orphanet 217569, MedGen C0007194, MeSH D002312, MONDO:0005045, HP:0001639.

Allele frequency attached by ClinVar (database versions not stated): TOPMed 0.00001.
gnomAD v4.1: 2 of 1,614,062 alleles (0.00012%); highest among the groups gnomAD compares: South Asian, 0.0011%; no homozygotes.

Submissions (3):

Labcorp Genetics (formerly Invitae), Labcorp
Classification: Likely benign for Hypertrophic cardiomyopathy. Last evaluated: 2025-08-29. Review status: criteria provided, single submitter. Criteria: Invitae Variant Classification Sherloc (09022015). Collection method: clinical testing. Allele origin: germline.

Molecular Diagnostic Laboratory for Inherited Cardiovascular Disease, Montreal Heart Institute
Classification: Likely benign. Last evaluated: 2025-07-24. Review status: criteria provided, single submitter. Criteria: ACMG Guidelines, 2015. Collection method: clinical testing. Allele origin: germline. Affected: no.

All of Us Research Program, National Institutes of Health
Classification: Likely benign for Hypertrophic cardiomyopathy. Last evaluated: 2024-04-16. Review status: criteria provided, single submitter. Criteria: ACMG Guidelines, 2015. Collection method: clinical testing. Allele origin: germline. Inheritance: Autosomal dominant inheritance. Observed: 1 variant allele, 1 heterozygote.
Comment: This study involves interpretation of variants in research participants for the purpose of population health screening. Participant phenotype was not available at the time of variant classification. Additional details can be found in publication PMID: 35346344, PMCID: PMC8962531